The following is an entry in ClinVar:

ClinVar aggregate classification (germline): Uncertain significance (1 of 4 stars; one submission).

Conditions:
Polycystic kidney disease, adult type (PKD1). Also called: POLYCYSTIC KIDNEY DISEASE, ADULT, TYPE I; Polycystic Kidney Disease 1, Autosomal Dominant; Polycystic kidney disease 1; Polycystic kidney disease 1, severe; Polycystic Kidney, Autosomal Dominant; POLYCYSTIC KIDNEY DISEASE 1 WITH OR WITHOUT POLYCYSTIC LIVER DISEASE. Identifiers: MedGen C3149841, MONDO:0008263, OMIM 173900.

Submission:

Juno Genomics, Hangzhou Juno Genomics, Inc
Classification: Uncertain significance for Polycystic kidney disease, adult type. Review status: criteria provided, single submitter. Criteria: ACMG Guidelines, 2015. Collection method: clinical testing. Allele origin: germline. Affected: yes.
Comment: Absent from controls (or at extremely low frequency if recessive) in Genome Aggregation Database, Exome Sequencing Project, 1000 Genomes Project, or Exome Aggregation Consortium.;Patient's phenotype or family history is highly specific for a disease with a single genetic etiology.

NM_001009944.3(PKD1):c.11411+5_11411+38delinsAGGG

Genes: PKD1 (polycystin 1, transient receptor potential channel interacting; minus strand), PKD1-AS1 (PKD1 antisense RNA 1; plus strand). Cytogenetic location: 16p13.3.
Variant type: Indel.
Coding change: c.11411+5_11411+38delinsAGGG on transcript NM_001009944.3 (MANE Select); bases 5 to 38 of the intron after coding-DNA position 11411, the reference bases replaced by AGGG.
Molecular consequence: intron variant.
Genome position (GRCh38, 1-based): chr16:2,092,009-2,092,042, 34 bases replaced. GRCh37 (hg19): chr16:2,142,010-2,142,043.
Other names: c.11408+5_11408+38delinsAGGG (NM_000296.4).
Identifiers: ClinVar variation 3383036 (VCV003383036.2).